The following is an entry in ClinVar:

NM_014339.7(IL17RA):c.2380C>G (p.Gln794Glu)

Gene: IL17RA (interleukin 17 receptor A; plus strand). Cytogenetic location: 22q11.1.
Variant type: single nucleotide variant.
Coding change: c.2380C>G on transcript NM_014339.7 (MANE Select); coding-DNA position 2380, C replaced by G.
Protein change: p.Gln794Glu; replaces glutamine 794 with glutamic acid.
Molecular consequence: missense variant.
Genome position (GRCh38, 1-based): chr22:17,109,599, C>G. VCF-style: chr22-17109599-C-G. GRCh37 (hg19) VCF-style: chr22-17590489-C-G.
Other names: c.2278C>G, p.Gln760Glu (NM_001289905.2); short protein forms Q794E, Q760E.
Identifiers: ClinVar variation 2167134 (VCV002167134.2), dbSNP rs771884191, ClinGen allele CA10086979.

ClinVar aggregate classification (germline): Uncertain significance (1 of 4 stars; one submission).

Conditions:
Immunodeficiency 51 (IMD51). Also called: CANDIDIASIS, FAMILIAL, 5. Identifiers: Orphanet 1334, MedGen C4310803, MONDO:0013500, OMIM 613953.

Allele frequency attached by ClinVar (database versions not stated): TOPMed 0.00002; ExAC 0.00003; gnomAD 0.00005.
gnomAD v4.1: 37 of 1,603,872 alleles (0.0023%); highest among the groups gnomAD compares: Non-Finnish European, 0.003%; no homozygotes.

Submission:

Labcorp Genetics (formerly Invitae), Labcorp
Classification: Uncertain significance for Immunodeficiency 51. Last evaluated: 2022-04-10. Review status: criteria provided, single submitter. Criteria: Invitae Variant Classification Sherloc (09022015). Collection method: clinical testing. Allele origin: germline.
Comment: In summary, the available evidence is currently insufficient to determine the role of this variant in disease. Therefore, it has been classified as a Variant of Uncertain Significance. Algorithms developed to predict the effect of missense changes on protein structure and function (SIFT, PolyPhen-2, Align-GVGD) all suggest that this variant is likely to be disruptive. This variant has not been reported in the literature in individuals affected with IL17RA-related conditions. This sequence change replaces glutamine, which is neutral and polar, with glutamic acid, which is acidic and polar, at codon 794 of the IL17RA protein (p.Gln794Glu). This variant is present in population databases (rs771884191, gnomAD 0.003%).